The following is an entry in ClinVar:

ClinVar aggregate classification (germline): Conflicting classifications of pathogenicity. Review status: criteria provided, conflicting classifications (1 of 4 stars). 3 submissions from 3 submitters: Likely pathogenic (1); Uncertain significance (2). Last evaluated 2025-08-28.

Conditions:
Cardiovascular phenotype. Identifiers: MedGen CN230736.

Submissions (3):

Mayo Clinic Laboratories, Mayo Clinic
Classification: Uncertain significance. Last evaluated: 2025-08-28. Review status: criteria provided, single submitter. Criteria: ACMG Guidelines, 2015. Collection method: clinical testing. Allele origin: germline. Observed: 1 variant allele.
Comment: PM2_supporting

Ambry Genetics
Classification: Likely pathogenic for Cardiovascular phenotype. Last evaluated: 2023-06-06. Review status: criteria provided, single submitter. Criteria: Ambry Variant Classification Scheme 2023. Collection method: clinical testing. Allele origin: germline.
Comment: The p.R171P variant (also known as c.512G>C), located in coding exon 4 of the ENG gene, results from a G to C substitution at nucleotide position 512. The arginine at codon 171 is replaced by proline, an amino acid with dissimilar properties. This alteration has been reported in individuals with hereditary hemorrhagic telangiectasia (HHT), including segregating with disease in two families (Heimdal K et al. Clin Genet, 2016 Feb;89:182-6; external communication). This variant is considered to be rare based on population cohorts in the Genome Aggregation Database (gnomAD). This amino acid position is not well conserved in available vertebrate species. In addition, this alteration is predicted to be tolerated by in silico analysis. Based on the majority of available evidence to date, this variant is likely to be pathogenic.

GeneDx
Classification: Uncertain significance. Last evaluated: 2017-07-10. Review status: criteria provided, single submitter. Criteria: GeneDx Variant Classification (06012015). Collection method: clinical testing. Allele origin: germline. Affected: yes.
Comment: A variant of uncertain significance has been identified in the ENG gene. The R171P variant has not been published as pathogenic or been reported as benign to our knowledge. This variant is not observed in large population cohorts (Lek et al., 2016; 1000 Genomes Consortium et al., 2015; Exome Variant Server). The R171P variant is a non-conservative amino acid substitution, which is likely to impact secondary protein structure as these residues differ in polarity, charge, size and/or other properties. Furthermore, in silico analysis predicts this variant is probably damaging to the protein structure/function. Nevertheless, this substitution occurs at a position that is not conserved across species.

Literature cited by the submitters: PubMed 25970827 (cited by Mayo Clinic Laboratories, Mayo Clinic and Ambry Genetics).

NM_001114753.3(ENG):c.512G>C (p.Arg171Pro)

Gene: ENG (endoglin; minus strand). Cytogenetic location: 9q34.11.
Variant type: single nucleotide variant.
Coding change: c.512G>C on transcript NM_001114753.3 (MANE Select); coding-DNA position 512, G replaced by C.
Protein change: p.Arg171Pro; replaces arginine 171 with proline.
Molecular consequence: missense variant. On other transcripts: 5 prime UTR variant (1).
Genome position (GRCh38, 1-based): chr9:127,826,521, C>G on the plus strand (G>C on the coding strand, the complement: ENG is on the minus strand). VCF-style: chr9-127826521-C-G. GRCh37 (hg19) VCF-style: chr9-130588800-C-G.
Other names: p.Arg171Pro; c.512G>C, p.Arg171Pro (NM_001406715.1, NM_000118.4); c.512G>C (NM_001114753.1); c.-35G>C (NM_001278138.2); short protein forms R171P.
Identifiers: ClinVar variation 449836 (VCV000449836.7), dbSNP rs756980265, ClinGen allele CA374984113.